The following is an entry in ClinVar:

ClinVar aggregate classification (germline): Uncertain significance (1 of 4 stars; one submission).

Allele frequency attached by ClinVar (database versions not stated): TOPMed 0.00002; ExAC 0.00002; gnomAD exomes 0.00001.
gnomAD v4.1: 17 of 1,614,160 alleles (0.0011%); highest among the groups gnomAD compares: East Asian, 0.0022%; no homozygotes.

Submission:

Labcorp Genetics (formerly Invitae), Labcorp
Classification: Uncertain significance. Last evaluated: 2021-11-17. Review status: criteria provided, single submitter. Criteria: Invitae Variant Classification Sherloc (09022015). Collection method: clinical testing. Allele origin: germline.
Comment: This sequence change replaces arginine with cysteine at codon 848 of the ADAMTS17 protein (p.Arg848Cys). The arginine residue is highly conserved and there is a large physicochemical difference between arginine and cysteine. This variant is present in population databases (rs752752402, gnomAD 0.006%). This variant has not been reported in the literature in individuals affected with ADAMTS17-related conditions. Algorithms developed to predict the effect of missense changes on protein structure and function are either unavailable or do not agree on the potential impact of this missense change (SIFT: "Not Available"; PolyPhen-2: "Probably Damaging"; Align-GVGD: "Not Available"). In summary, the available evidence is currently insufficient to determine the role of this variant in disease. Therefore, it has been classified as a Variant of Uncertain Significance.

NM_139057.4(ADAMTS17):c.2542C>T (p.Arg848Cys)

Gene: ADAMTS17 (ADAM metallopeptidase with thrombospondin type 1 motif 17; minus strand). Cytogenetic location: 15q26.3.
Variant type: single nucleotide variant.
Coding change: c.2542C>T on transcript NM_139057.4 (MANE Select); coding-DNA position 2542, C replaced by T.
Protein change: p.Arg848Cys; replaces arginine 848 with cysteine.
Molecular consequence: missense variant.
Genome position (GRCh38, 1-based): chr15:100,048,906, G>A on the plus strand (C>T on the coding strand, the complement: ADAMTS17 is on the minus strand). VCF-style: chr15-100048906-G-A. GRCh37 (hg19) VCF-style: chr15-100589111-G-A.
Other names: short protein forms R848C.
Identifiers: ClinVar variation 1397355 (VCV001397355.3), dbSNP rs752752402, ClinGen allele CA7757689.